The following is an entry in ClinVar:

NM_152443.3(RDH12):c.178G>A (p.Ala60Thr)

Genes: GPHN (gephyrin; plus strand), RDH12 (retinol dehydrogenase 12; plus strand). Cytogenetic location: 14q24.1.
Variant type: single nucleotide variant.
Coding change: c.178G>A on transcript NM_152443.3 (MANE Select); coding-DNA position 178, G replaced by A.
Protein change: p.Ala60Thr; replaces alanine 60 with threonine.
Molecular consequence: missense variant.
Genome position (GRCh38, 1-based): chr14:67,724,582, G>A. VCF-style: chr14-67724582-G-A. GRCh37 (hg19) VCF-style: chr14-68191299-G-A.
Other names: c.178G>A (NM_152443.2); short protein forms A60T.
Identifiers: ClinVar variation 2678299 (VCV002678299.5), dbSNP rs749038454, ClinGen allele CA7238623.
Genomic context (GRCh38, chr14:67,724,582, plus strand): 5'-AAGGTAGTGGTGATCACTGGCGCCAACACGGGCATTGGCAAGGAGACGGCCAGAGAGCTC[G>A]CTAGCCGAGGTAAGTGTTTCCCCTTTAGTCTCCAAAGGGCCATGCCTCCCACCCTTCTTC-3'
Protein context (NP_689656.2, residues 50-70): GIGKETAREL[Ala60Thr]SRGARVYIAC

ClinVar aggregate classification (germline): Pathogenic/Likely pathogenic. Review status: criteria provided, multiple submitters, no conflicts (2 of 4 stars). 2 submissions from 2 submitters: Pathogenic (1); Likely pathogenic (1). Last evaluated 2025-10-08.

Conditions:
Leber congenital amaurosis (LCA). Also called: Leber's amaurosis. Identifiers: Orphanet 65, MedGen C0339527, MeSH D057130, MONDO:0018998.
RDH12-related disorder. Also called: RDH12-related disorders; RDH12-related condition.

Allele frequency attached by ClinVar (database versions not stated): TOPMed below 0.00001; ExAC 0.00001; gnomAD 0.00001; gnomAD exomes 0.00001.
gnomAD v4.1: 11 of 1,611,646 alleles (0.00068%); highest among the groups gnomAD compares: African/African-American, 0.004%; no homozygotes.

Submissions (2):

Natera, Inc.
Classification: Likely pathogenic for Leber congenital amaurosis. Last evaluated: 2025-10-08. Review status: criteria provided, single submitter. Criteria: Natera Variant Classification Schema (03/2026). Collection method: clinical testing. Allele origin: germline.
Comment: The c.178G>A variant in RDH12 is a missense variant predicted to cause substitution of alanine to threonine at amino acid 60. This variant is rare in the general population with a frequency below the threshold expected for the associated phenotype(s). This variant has been observed in one or more individuals affected with the associated recessive disease, as either homozygous or compound heterozygous with a second variant (PMID: 30979730, 30134391, 36690427). Computational prediction algorithms indicate this variant is likely to affect gene or protein function. Given the available evidence, this variant is classified as Likely Pathogenic.

Blueprint Genetics
Classification: Pathogenic for RDH12-related disorders. Last evaluated: 2023-10-20. Review status: criteria provided, single submitter. Criteria: ACMG Guidelines, 2015. Collection method: clinical testing. Allele origin: germline. Affected: yes. Observed: 1 variant allele.

Literature cited by the submitters: PubMed 30979730 (cited by Natera, Inc.); PubMed 30134391 (cited by Natera, Inc.); PubMed 36690427 (cited by Natera, Inc.).